The following is an entry in ClinVar:

ClinVar aggregate classification (germline): Uncertain significance (1 of 4 stars; one submission).

Conditions:
Nephronophthisis. Also called: Juvenile Nephronophthisis. Identifiers: Orphanet 655, MedGen C0687120, MONDO:0019005, HP:0000090.

Allele frequency attached by ClinVar (database versions not stated): gnomAD 0.00001; gnomAD exomes 0.00001; TOPMed 0.00002; ExAC 0.00005; 1000 Genomes Project 0.00020; 1000 Genomes Project 30x 0.00031.
gnomAD v4.1: 22 of 1,605,016 alleles (0.0014%); highest among the groups gnomAD compares: East Asian, 0.0045%; no homozygotes.

Submission:

Labcorp Genetics (formerly Invitae), Labcorp
Classification: Uncertain significance for Nephronophthisis. Last evaluated: 2022-08-16. Review status: criteria provided, single submitter. Criteria: Invitae Variant Classification Sherloc (09022015). Collection method: clinical testing. Allele origin: germline.
Comment: This sequence change replaces arginine, which is basic and polar, with tryptophan, which is neutral and slightly polar, at codon 153 of the NPHP4 protein (p.Arg153Trp). The frequency data for this variant in the population databases is considered unreliable, as metrics indicate poor data quality at this position in the gnomAD database. This variant has not been reported in the literature in individuals affected with NPHP4-related conditions. ClinVar contains an entry for this variant (Variation ID: 1498978). Algorithms developed to predict the effect of missense changes on protein structure and function are either unavailable or do not agree on the potential impact of this missense change (SIFT: "Deleterious"; PolyPhen-2: "Possibly Damaging"; Align-GVGD: "Class C0"). In summary, the available evidence is currently insufficient to determine the role of this variant in disease. Therefore, it has been classified as a Variant of Uncertain Significance.

NM_015102.5(NPHP4):c.457C>T (p.Arg153Trp)

Gene: NPHP4 (nephrocystin 4; minus strand). Cytogenetic location: 1p36.31.
Variant type: single nucleotide variant.
Coding change: c.457C>T on transcript NM_015102.5 (MANE Select); coding-DNA position 457, C replaced by T.
Protein change: p.Arg153Trp; replaces arginine 153 with tryptophan.
Molecular consequence: missense variant. On other transcripts: 5 prime UTR variant (2), non-coding transcript variant (1).
Genome position (GRCh38, 1-based): chr1:5,967,359, G>A on the plus strand (C>T on the coding strand, the complement: NPHP4 is on the minus strand). VCF-style: chr1-5967359-G-A. GRCh37 (hg19) VCF-style: chr1-6027419-G-A.
Other names: c.-773C>T (NM_001291593.2); c.-910C>T (NM_001291594.2); short protein forms R153W.
Identifiers: ClinVar variation 1498978 (VCV001498978.5), dbSNP rs188946055, ClinGen allele CA554841.